The following is an entry in ClinVar:

ClinVar aggregate classification (germline): Likely benign (0 of 4 stars; one submission).

Conditions:
CREBBP-related disorder. Also called: CREBBP-related condition; CREBBP-related disorders.

Submission:

PreventionGenetics, part of Exact Sciences
Classification: Likely benign for CREBBP-related condition. Last evaluated: 2022-06-15. Review status: no assertion criteria provided. Collection method: clinical testing. Allele origin: germline.
Comment: This variant is classified as likely benign based on ACMG/AMP sequence variant interpretation guidelines (Richards et al. 2015 PMID: 25741868, with internal and published modifications).

NM_004380.3(CREBBP):c.4614C>T (p.Pro1538=)

Gene: CREBBP (CREB binding lysine acetyltransferase; minus strand). Cytogenetic location: 16p13.3.
Variant type: single nucleotide variant.
Coding change: c.4614C>T on transcript NM_004380.3 (MANE Select); coding-DNA position 4614, C replaced by T.
Protein change: p.Pro1538=; no amino-acid change (proline 1538 retained).
Molecular consequence: synonymous variant.
Genome position (GRCh38, 1-based): chr16:3,736,150, G>A on the plus strand (C>T on the coding strand, the complement: CREBBP is on the minus strand). VCF-style: chr16-3736150-G-A. GRCh37 (hg19) VCF-style: chr16-3786151-G-A.
Other names: c.4500C>T, p.Pro1500= (NM_001079846.1).
Identifiers: ClinVar variation 3354205 (VCV003354205.1).